The following is an entry in ClinVar:

NM_015488.5(PNKD):c.331A>G (p.Thr111Ala)

Genes: PNKD (PNKD metallo-beta-lactamase domain containing; plus strand), CATIP-AS2 (CATIP antisense RNA 2; minus strand). Cytogenetic location: 2q35.
Variant type: single nucleotide variant.
Coding change: c.331A>G on transcript NM_015488.5 (MANE Select); coding-DNA position 331, A replaced by G.
Protein change: p.Thr111Ala; replaces threonine 111 with alanine.
Molecular consequence: missense variant.
Genome position (GRCh38, 1-based): chr2:218,339,877, A>G. VCF-style: chr2-218339877-A-G. GRCh37 (hg19) VCF-style: chr2-219204600-A-G.
Other names: c.259A>G, p.Thr87Ala (NM_022572.5); short protein forms T111A, T87A.
Identifiers: ClinVar variation 334313 (VCV000334313.41), dbSNP rs202190131, ClinGen allele CA2103897.

ClinVar aggregate classification (germline): Conflicting classifications of pathogenicity. Review status: criteria provided, conflicting classifications (1 of 4 stars). 4 submissions from 4 submitters: Uncertain significance (1); Benign (1); Likely benign (2). Last evaluated 2025-11-06.

Conditions:
Paroxysmal nonkinesigenic dyskinesia 1 (PNKD1). Also called: PxMD-PNKD; DYSTONIA 8; Familial Paroxysmal Nonkinesigenic Dyskinesia; PAROXYSMAL DYSTONIC CHOREOATHETOSIS; MOUNT-REBACK SYNDROME; Nonkinesigenic choreoathetosis. Identifiers: Orphanet 98810, MedGen C4551506, MONDO:0700089, OMIM 118800, MONDO:0007326.
Paroxysmal nonkinesigenic dyskinesia. Also called: Paroxysmal non-kinesigenic dyskinesia. Identifiers: Orphanet 98810, MedGen C1869117, MONDO:0700088.

Allele frequency attached by ClinVar (database versions not stated): gnomAD 0.00006 and 0.00012; TOPMed 0.00011; 1000 Genomes Project 30x 0.00016; gnomAD exomes 0.00018; 1000 Genomes Project 0.00020.
gnomAD v4.1: 267 of 1,548,744 alleles (0.017%); highest among the groups gnomAD compares: East Asian, 0.51%; 2 homozygotes.

Submissions (4):

Labcorp Genetics (formerly Invitae), Labcorp
Classification: Likely benign for Paroxysmal nonkinesigenic dyskinesia. Last evaluated: 2025-11-06. Review status: criteria provided, single submitter. Criteria: Invitae Variant Classification Sherloc (09022015). Collection method: clinical testing. Allele origin: germline.

CeGaT Center for Human Genetics Tuebingen
Classification: Likely benign. Last evaluated: 2022-12-01. Review status: criteria provided, single submitter. Criteria: CeGaT Center For Human Genetics Tuebingen Variant Classification Criteria Version 2. Collection method: clinical testing. Allele origin: germline. Affected: yes. Observed: 1 variant allele.
Comment: PNKD: BS1

Revvity Omics, Revvity
Classification: Uncertain significance for Paroxysmal nonkinesigenic dyskinesia 1. Last evaluated: 2019-11-13. Review status: criteria provided, single submitter. Criteria: ACMG Guidelines, 2015. Collection method: clinical testing. Allele origin: germline.

Illumina Laboratory Services, Illumina
Classification: Benign for Paroxysmal nonkinesigenic dyskinesia 1. Last evaluated: 2018-01-13. Review status: criteria provided, single submitter. Criteria: ICSL Variant Classification Criteria 13 December 2019. Collection method: clinical testing. Allele origin: germline.
Comment: This variant was observed in the ICSL laboratory as part of a predisposition screen in an ostensibly healthy population. It had not been previously curated by ICSL or reported in the Human Gene Mutation Database (HGMD: prior to June 1st, 2018), and was therefore a candidate for classification through an automated scoring system. Utilizing variant allele frequency, disease prevalence and penetrance estimates, and inheritance mode, an automated score was calculated to assess if this variant is too frequent to cause the disease. Based on the score and internal cut-off values, a variant classified as benign is not then subjected to further curation. The score for this variant resulted in a classification of benign for this disease.